The following is an entry in ClinVar:

NM_058216.3(RAD51C):c.446GAG[1] (p.Gly150del)

Gene: RAD51C (RAD51 paralog C; plus strand). Cytogenetic location: 17q22.
Variant type: Microsatellite.
Coding change: c.446GAG[1] on transcript NM_058216.3 (MANE Select); one copy of the 3-base unit GAG starting at c.446; the reference has two copies in a row; one copy, 3 bases deleted; also written c.449_451del.
Protein change: p.Gly150del; deletes glycine 150.
Molecular consequence: inframe deletion.
Genome position (GRCh38, 1-based): chr17:58,696,737-58,696,739, GAG deleted; deleting any 3 consecutive bases within chr17:58,696,733-58,696,739 gives the same sequence; the position shown is the placement nearest the transcript's 3' end. VCF-style (leftmost placement, unchanged base first): chr17-58696732-TGGA-T. GRCh37 (hg19) VCF-style: chr17-56774093-TGGA-T.
Other names: c.449_451del (NM_058216.3); short protein forms G150del.
Identifiers: ClinVar variation 959940 (VCV000959940.11), dbSNP rs2048024043, ClinGen allele CA2267816171.

ClinVar aggregate classification (germline): Conflicting classifications of pathogenicity. Review status: criteria provided, conflicting classifications (1 of 4 stars). 3 submissions from 3 submitters: Likely pathogenic (1); Uncertain significance (2). Last evaluated 2025-09-02.

Conditions:
Breast-ovarian cancer, familial, susceptibility to, 3. Also called: RAD51C-Related Breast/Ovarian Cancer. Identifiers: Orphanet 145, MedGen C3150659, MONDO:0013253, OMIM 613399.
Hereditary cancer-predisposing syndrome. Also called: Hereditary neoplastic syndrome; Tumor predisposition; Neoplastic Syndromes, Hereditary; Hereditary Cancer Syndrome. Identifiers: Orphanet 140162, MedGen C0027672, MeSH D009386, MONDO:0015356.
Fanconi anemia complementation group O. Also called: RAD51C-Related Fanconi Anemia. Identifiers: Orphanet 84, MedGen C3150653, MONDO:0013248, OMIM 613390.

Submissions (3):

Labcorp Genetics (formerly Invitae), Labcorp
Classification: Uncertain significance for Fanconi anemia complementation group O. Last evaluated: 2025-09-02. Review status: criteria provided, single submitter. Criteria: Invitae Variant Classification Sherloc (09022015). Collection method: clinical testing. Allele origin: germline.
Comment: This variant, c.449_451del, results in the deletion of 1 amino acid(s) of the RAD51C protein (p.Gly150del), but otherwise preserves the integrity of the reading frame. This variant is not present in population databases (gnomAD no frequency). This variant has not been reported in the literature in individuals affected with RAD51C-related conditions. ClinVar contains an entry for this variant (Variation ID: 959940). Algorithms developed to predict the effect of variants on gene product structure and function are not available or were not evaluated for this variant. Experimental studies have shown that this variant affects RAD51C function (PMID: 39299233). In summary, the available evidence is currently insufficient to determine the role of this variant in disease. Therefore, it has been classified as a Variant of Uncertain Significance.

Color Diagnostics, LLC DBA Color Health
Classification: Uncertain significance for Hereditary cancer-predisposing syndrome. Last evaluated: 2025-05-16. Review status: criteria provided, single submitter. Criteria: ACMG Guidelines, 2015. Collection method: clinical testing. Allele origin: germline.
Comment: This variant causes a deletion of one amino acid at codon 150 of the RAD51C protein. A functional study using saturation genome editing technology has shown that this variant results in the loss of homology-directed repair activity of RAD51C protein (PMID: 39299233). This variant has not been reported in individuals affected with hereditary cancer in the literature. This variant has not been identified in the general population by the Genome Aggregation Database (gnomAD). The available evidence is insufficient to determine the role of this variant in disease conclusively. Therefore, this variant is classified as a Variant of Uncertain Significance.

Myriad Genetics, Inc.
Classification: Likely pathogenic for Breast-ovarian cancer, familial, susceptibility to, 3. Last evaluated: 2024-11-21. Review status: criteria provided, single submitter. Criteria: Myriad Autosomal Dominant, Autosomal Recessive and X-Linked Classification Criteria (2023). Collection method: clinical testing. Allele origin: unknown.
Comment: This variant is considered likely pathogenic. Functional studies indicate this variant impacts protein function [PMID: 39299233]. This variant is expected to disrupt protein structure [Myriad internal data].

Literature cited by the submitters: PubMed 39299233 (cited by 3 submitters).